The following is an entry in ClinVar:

ClinVar aggregate classification (germline): Pathogenic (0 of 4 stars; one submission).

Conditions:
IL10-related early-onset inflammatory bowel disease. Also called: Immune dysregulation-inflammatory bowel disease-arthritis-recurrent infections syndrome; Autosomal recessive early-onset inflammatory bowel disease. Identifiers: Orphanet 238569, MedGen C4749850, MONDO:0016542.
Inborn error of immunity. Also called: Primary immunodeficiency; Inborn errors of immunity. Identifiers: Orphanet 101997, MedGen C0398686, MONDO:0003778.

Submission:

Klein lab, Ludwig-Maximilians-University
Classification: Pathogenic for Immune dysregulation-inflammatory bowel disease-arthritis-recurrent infections syndrome; Primary immunodeficiency. Review status: no assertion criteria provided. Collection method: research. Allele origin: germline. Affected: yes. Observed: 3 variant alleles.
Comment: patients suffered from recurrent bacterial and/or viral infections and had episodes of diarrhea and/or colitis

Literature cited by the submitters: PubMed 30591564.

NM_001354930.2(RIPK1):c.1802G>A (p.Cys601Tyr)

Gene: RIPK1 (receptor interacting serine/threonine kinase 1; plus strand). Cytogenetic location: 6p25.2.
Variant type: single nucleotide variant.
Coding change: c.1802G>A on transcript NM_001354930.2 (MANE Select); coding-DNA position 1802, G replaced by A.
Protein change: p.Cys601Tyr; replaces cysteine 601 with tyrosine.
Molecular consequence: missense variant.
Genome position (GRCh38, 1-based): chr6:3,113,125, G>A. VCF-style: chr6-3113125-G-A. GRCh37 (hg19) VCF-style: chr6-3113359-G-A.
Other names: c.1313G>A, p.Cys438Tyr (NM_001317061.3, NM_001354932.2, NM_001354933.2 and 1 more transcripts); c.1664G>A, p.Cys555Tyr (NM_001354931.2); c.1802G>A, p.Cys601Tyr (NM_003804.6); short protein forms C601Y, C555Y, C438Y.
Identifiers: ClinVar variation 598791 (VCV000598791.3), dbSNP rs1561780980, ClinGen allele CA362577692.
Genomic context (GRCh38, chr6:3,113,125, plus strand): 5'-GTCTGACGGATAAACACCTGGACCCAATCAGGGAAAATCTGGGAAAGCACTGGAAAAACT[G>A]TGCCCGTAAACTGGGCTTCACACAGTCTCAGATTGATGAAATTGACCATGACTATGAGCG-3'
Protein context (NP_001341859.1, residues 591-611): RENLGKHWKN[Cys601Tyr]ARKLGFTQSQ